The following is an entry in ClinVar:

ClinVar aggregate classification (germline): Pathogenic (1 of 4 stars; one submission).

Conditions:
Joubert syndrome and related disorders. Identifiers: Orphanet 140874, MedGen C5679612, MONDO:0015369.

Submission:

Myriad Genetics, Inc.
Classification: Pathogenic for Joubert syndrome and related disorders. Last evaluated: 2026-07-22. Review status: criteria provided, single submitter. Criteria: Myriad Autosomal Dominant, Autosomal Recessive and X-Linked Classification Criteria (2023). Collection method: clinical testing. Allele origin: unknown.
Comment: NM_001080522.2(CC2D2A):c.587delCinsTAG(T196Ifs*63) is expected to be pathogenic in the context of CC2D2A-related disorders. This variant is predicted to lead to an abnormal or absent protein product due to the creation of a premature termination codon in CC2D2A, a gene where loss-of-function variants are known to be pathogenic. Please note: this variant was assessed in the context of healthy population screening.

NM_001378615.1(CC2D2A):c.587delinsTAG (p.Thr196fs)

Genes: CC2D2A (coiled-coil and C2 domain containing 2A; plus strand), FBXL5 (F-box and leucine rich repeat protein 5; minus strand). Cytogenetic location: 4p15.32.
Variant type: Indel.
Coding change: c.587delinsTAG on transcript NM_001378615.1 (MANE Select); coding-DNA position 587, C replaced by TAG.
Protein change: p.Thr196fs; shifts the reading frame from threonine 196.
Molecular consequence: frameshift variant.
Genome position (GRCh38, 1-based): chr4:15,511,293, C replaced by TAG. VCF-style: chr4-15511293-C-TAG. GRCh37 (hg19) VCF-style: chr4-15512916-C-TAG.
Other names: c.587delinsTAG, p.Thr196fs (NM_001080522.2); c.440delinsTAG, p.Thr147fs (NM_001378617.1); short protein forms T147fs, T196fs.
Identifiers: ClinVar variation 5016151 (VCV005016151.1).